The following is an entry in ClinVar:

NM_015178.3(RHOBTB2):c.459C>T (p.Asn153=)

Gene: RHOBTB2 (Rho related BTB domain containing 2; plus strand). Cytogenetic location: 8p21.3.
Variant type: single nucleotide variant.
Coding change: c.459C>T on transcript NM_015178.3 (MANE Select); coding-DNA position 459, C replaced by T.
Protein change: p.Asn153=; no amino-acid change (asparagine 153 retained).
Molecular consequence: synonymous variant.
Genome position (GRCh38, 1-based): chr8:23,006,122, C>T. VCF-style: chr8-23006122-C-T. GRCh37 (hg19) VCF-style: chr8-22863635-C-T.
Other names: c.525C>T, p.Asn175= (NM_001160036.2); c.480C>T, p.Asn160= (NM_001160037.2); c.459C>T, p.Asn153= (NM_001374791.1).
Identifiers: ClinVar variation 4872803 (VCV004872803.2).

ClinVar aggregate classification (germline): Likely benign (1 of 4 stars; one submission).

Submission:

CeGaT Center for Human Genetics Tuebingen
Classification: Likely benign. Last evaluated: 2026-05-01. Review status: criteria provided, single submitter. Criteria: CeGaT Center For Human Genetics Tuebingen Variant Classification Criteria Version 2. Collection method: clinical testing. Allele origin: germline. Affected: yes. Observed: 1 variant allele.
Comment: RHOBTB2: PM2:Supporting, BP4, BP7